The following is an entry in ClinVar:

NM_032043.3(BRIP1):c.2039T>C (p.Leu680Ser)

Gene: BRIP1 (BRCA1 interacting DNA helicase 1; minus strand). Cytogenetic location: 17q23.2.
Variant type: single nucleotide variant.
Coding change: c.2039T>C on transcript NM_032043.3 (MANE Select); coding-DNA position 2039, T replaced by C.
Protein change: p.Leu680Ser; replaces leucine 680 with serine.
Molecular consequence: missense variant.
Genome position (GRCh38, 1-based): chr17:61,776,459, A>G on the plus strand (T>C on the coding strand, the complement: BRIP1 is on the minus strand). VCF-style: chr17-61776459-A-G. GRCh37 (hg19) VCF-style: chr17-59853820-A-G.
Other names: short protein forms L680S.
Identifiers: ClinVar variation 857950 (VCV000857950.12), dbSNP rs2077534379, ClinGen allele CA400478221.

ClinVar aggregate classification (germline): Uncertain significance. Review status: criteria provided, multiple submitters, no conflicts (2 of 4 stars). 2 submissions from 2 submitters: Uncertain significance (2). Last evaluated 2020-08-19.

Conditions:
Fanconi anemia complementation group J. Also called: BRIP1-Related Fanconi Anemia. Identifiers: Orphanet 84, MedGen C1836860, MONDO:0012187, OMIM 609054.
Familial cancer of breast. Also called: hereditary breast carcinoma; Hereditary breast cancer; BREAST CANCER, FAMILIAL. Identifiers: Orphanet 227535, MedGen C0346153, MONDO:0016419, OMIM 114480. Disease mechanism: loss of function.

gnomAD v4.1: 1 of 1,614,166 alleles (0.000062%); no homozygotes.

Submissions (2):

Blueprint Genetics
Classification: Uncertain significance. Last evaluated: 2020-08-19. Review status: criteria provided, single submitter. Criteria: ACMG Guidelines, 2015. Collection method: clinical testing. Allele origin: germline.

Labcorp Genetics (formerly Invitae), Labcorp
Classification: Uncertain significance for Familial cancer of breast; Fanconi anemia complementation group J. Last evaluated: 2019-12-23. Review status: criteria provided, single submitter. Criteria: Invitae Variant Classification Sherloc (09022015). Collection method: clinical testing. Allele origin: germline.
Comment: In summary, the available evidence is currently insufficient to determine the role of this variant in disease. Therefore, it has been classified as a Variant of Uncertain Significance. Algorithms developed to predict the effect of missense changes on protein structure and function (SIFT, PolyPhen-2, Align-GVGD) all suggest that this variant is likely to be disruptive, but these predictions have not been confirmed by published functional studies and their clinical significance is uncertain. This variant has not been reported in the literature in individuals with BRIP1-related conditions. This variant is not present in population databases (ExAC no frequency). This sequence change replaces leucine with serine at codon 680 of the BRIP1 protein (p.Leu680Ser). The leucine residue is highly conserved and there is a large physicochemical difference between leucine and serine.